The following is an entry in ClinVar:

NM_000136.3(FANCC):c.844-1G>A

Genes: AOPEP (aminopeptidase O (putative); plus strand), FANCC (FA complementation group C; minus strand). Cytogenetic location: 9q22.32.
Variant type: single nucleotide variant.
Coding change: c.844-1G>A on transcript NM_000136.3 (MANE Select); the canonical splice acceptor site of the intron before coding-DNA position 844, G replaced by A.
Molecular consequence: splice acceptor variant.
Genome position (GRCh38, 1-based): chr9:95,126,582, C>T on the plus strand (G>A on the coding strand, the complement: FANCC is on the minus strand). VCF-style: chr9-95126582-C-T. GRCh37 (hg19) VCF-style: chr9-97888864-C-T.
Other names: c.844-1G>A (NM_001243743.2, NM_001243744.2).
Identifiers: ClinVar variation 2910228 (VCV002910228.4), dbSNP rs774209201, ClinGen allele CA374109160.

ClinVar aggregate classification (germline): Pathogenic/Likely pathogenic. Review status: criteria provided, multiple submitters, no conflicts (2 of 4 stars). 2 submissions from 2 submitters: Pathogenic (1); Likely pathogenic (1). Last evaluated 2024-02-24.

Conditions:
Fanconi anemia complementation group C (FANCC). Also called: FANCC-Related Fanconi Anemia; FANCONI PANCYTOPENIA, TYPE 3; FACC; Fanconi anemia, group C. Identifiers: Orphanet 84, MedGen C3468041, MONDO:0009213, OMIM 227645.
Fanconi anemia (FA). Also called: Fanconi's anemia. Identifiers: Orphanet 84, MedGen C0015625, MeSH D005199, MONDO:0019391.

Submissions (2):

Baylor Genetics
Classification: Pathogenic for Fanconi anemia complementation group C. Last evaluated: 2024-02-24. Review status: criteria provided, single submitter. Criteria: ACMG Guidelines, 2015. Collection method: clinical testing. Allele origin: unknown.

Labcorp Genetics (formerly Invitae), Labcorp
Classification: Likely pathogenic for Fanconi anemia. Last evaluated: 2023-12-29. Review status: criteria provided, single submitter. Criteria: Invitae Variant Classification Sherloc (09022015). Collection method: clinical testing. Allele origin: germline.
Comment: This sequence change affects an acceptor splice site in intron 8 of the FANCC gene. RNA analysis indicates that disruption of this splice site induces altered splicing and may result in an absent or disrupted protein product. This variant is not present in population databases (gnomAD no frequency). Disruption of this splice site has been observed in individual(s) with FANCC-related conditions (PMID: 17924555, 30031030). Studies have shown that disruption of this splice site results in skipping of exon 9 and introduces a premature termination codon (PMID: 30031030). The resulting mRNA is expected to undergo nonsense-mediated decay. In summary, the currently available evidence indicates that the variant is pathogenic, but additional data are needed to prove that conclusively. Therefore, this variant has been classified as Likely Pathogenic.

Literature cited by the submitters: PubMed 17924555 (cited by Labcorp Genetics (formerly Invitae), Labcorp); PubMed 30031030 (cited by Labcorp Genetics (formerly Invitae), Labcorp).